The following is an entry in ClinVar:

ClinVar aggregate classification (germline): Uncertain significance. Review status: criteria provided, multiple submitters, no conflicts (2 of 4 stars). 2 submissions from 2 submitters: Uncertain significance (2). Last evaluated 2023-11-21.

Conditions:
Inborn genetic diseases. Identifiers: MedGen C0950123, MeSH D030342.
Developmental and epileptic encephalopathy, 12 (DEE12). Identifiers: MedGen C3150988, MONDO:0013389, OMIM 613722.

Allele frequency attached by ClinVar (database versions not stated): gnomAD exomes below 0.00001; ExAC 0.00001.
gnomAD v4.1: 4 of 1,614,060 alleles (0.00025%); highest among the groups gnomAD compares: East Asian, 0.0022%; no homozygotes.

Submissions (2):

Ambry Genetics
Classification: Uncertain significance for Inborn genetic diseases. Last evaluated: 2023-11-21. Review status: criteria provided, single submitter. Criteria: Ambry Variant Classification Scheme 2023. Collection method: clinical testing. Allele origin: germline.

Labcorp Genetics (formerly Invitae), Labcorp
Classification: Uncertain significance for Developmental and epileptic encephalopathy, 12. Last evaluated: 2021-08-26. Review status: criteria provided, single submitter. Criteria: Invitae Variant Classification Sherloc (09022015). Collection method: clinical testing. Allele origin: germline.
Comment: This sequence change replaces arginine with histidine at codon 180 of the PNKP protein (p.Arg180His). The arginine residue is moderately conserved and there is a small physicochemical difference between arginine and histidine. This variant is present in population databases (rs779492301, ExAC 0.009%). This variant has not been reported in the literature in individuals affected with PNKP-related conditions. Algorithms developed to predict the effect of missense changes on protein structure and function are either unavailable or do not agree on the potential impact of this missense change (SIFT: "Deleterious"; PolyPhen-2: "Possibly Damaging"; Align-GVGD: "Class C0"). In summary, the available evidence is currently insufficient to determine the role of this variant in disease. Therefore, it has been classified as a Variant of Uncertain Significance.

NM_007254.4(PNKP):c.539G>A (p.Arg180His)

Gene: PNKP (polynucleotide kinase 3'-phosphatase; minus strand). Cytogenetic location: 19q13.33.
Variant type: single nucleotide variant.
Coding change: c.539G>A on transcript NM_007254.4 (MANE Select); coding-DNA position 539, G replaced by A.
Protein change: p.Arg180His; replaces arginine 180 with histidine.
Molecular consequence: missense variant.
Genome position (GRCh38, 1-based): chr19:49,864,363, C>T on the plus strand (G>A on the coding strand, the complement: PNKP is on the minus strand). VCF-style: chr19-49864363-C-T. GRCh37 (hg19) VCF-style: chr19-50367620-C-T.
Other names: short protein forms R180H.
Identifiers: ClinVar variation 409615 (VCV000409615.8), dbSNP rs779492301, ClinGen allele CA9586909.